The following is an entry in ClinVar:

NM_016038.4(SBDS):c.343G>T (p.Val115Leu)

Gene: SBDS (SBDS ribosome maturation factor; minus strand). Cytogenetic location: 7q11.21.
Variant type: single nucleotide variant.
Coding change: c.343G>T on transcript NM_016038.4 (MANE Select); coding-DNA position 343, G replaced by T.
Protein change: p.Val115Leu; replaces valine 115 with leucine.
Molecular consequence: missense variant.
Genome position (GRCh38, 1-based): chr7:66,993,333, C>A on the plus strand (G>T on the coding strand, the complement: SBDS is on the minus strand). VCF-style: chr7-66993333-C-A. GRCh37 (hg19) VCF-style: chr7-66458320-C-A.
Other names: short protein forms V115L.
Identifiers: ClinVar variation 4159834 (VCV004159834.1).

ClinVar aggregate classification (germline): Uncertain significance (1 of 4 stars; one submission).

Conditions:
Inborn genetic diseases. Identifiers: MedGen C0950123, MeSH D030342.

Submission:

Ambry Genetics
Classification: Uncertain significance for Inborn genetic diseases. Last evaluated: 2025-09-06. Review status: criteria provided, single submitter. Criteria: Ambry Variant Classification Scheme 2023. Collection method: clinical testing. Allele origin: germline.
Comment: The p.V115L variant (also known as c.343G>T), located in coding exon 3 of the SBDS gene, results from a G to T substitution at nucleotide position 343. The valine at codon 115 is replaced by leucine, an amino acid with highly similar properties. This amino acid position is conserved. In addition, the in silico prediction for this alteration is inconclusive. Based on the available evidence, the clinical significance of this variant remains unclear.